The following is an entry in ClinVar:

ClinVar aggregate classification (germline): Uncertain significance (1 of 4 stars; one submission).

Conditions:
Developmental and epileptic encephalopathy, 37 (DEE37). Also called: Epileptic encephalopathy, early infantile, 37. Identifiers: MedGen C4310770, MONDO:0014859, OMIM 616981.

Submission:

Labcorp Genetics (formerly Invitae), Labcorp
Classification: Uncertain significance for Developmental and epileptic encephalopathy, 37. Last evaluated: 2021-01-30. Review status: criteria provided, single submitter. Criteria: Invitae Variant Classification Sherloc (09022015). Collection method: clinical testing. Allele origin: germline.
Comment: This variant has not been reported in the literature in individuals with FRRS1L-related conditions. In summary, the available evidence is currently insufficient to determine the role of this variant in disease. Therefore, it has been classified as a Variant of Uncertain Significance. Algorithms developed to predict the effect of missense changes on protein structure and function (SIFT, PolyPhen-2, Align-GVGD) all suggest that this variant is likely to be tolerated, but these predictions have not been confirmed by published functional studies and their clinical significance is uncertain. This variant is not present in population databases (ExAC no frequency). This sequence change replaces proline with serine at codon 240 of the FRRS1L protein (p.Pro240Ser). The proline residue is highly conserved and there is a moderate physicochemical difference between proline and serine.

NM_014334.4(FRRS1L):c.565C>T (p.Pro189Ser)

Gene: FRRS1L (ferric chelate reductase 1 like; minus strand). Cytogenetic location: 9q31.3.
Variant type: single nucleotide variant.
Coding change: c.565C>T on transcript NM_014334.4 (MANE Select); coding-DNA position 565, C replaced by T.
Protein change: p.Pro189Ser; replaces proline 189 with serine.
Molecular consequence: missense variant.
Genome position (GRCh38, 1-based): chr9:109,141,487, G>A on the plus strand (C>T on the coding strand, the complement: FRRS1L is on the minus strand). VCF-style: chr9-109141487-G-A. GRCh37 (hg19) VCF-style: chr9-111903767-G-A.
Other names: short protein forms P189S.
Identifiers: ClinVar variation 1505849 (VCV001505849.8), dbSNP rs548294781, ClinGen allele CA374424434.